The following is an entry in ClinVar:

NM_012471.3(TRPC5):c.524G>T (p.Arg175Leu)

Gene: TRPC5 (transient receptor potential cation channel subfamily C member 5; minus strand). Cytogenetic location: Xq23.
Variant type: single nucleotide variant.
Coding change: c.524G>T on transcript NM_012471.3 (MANE Select); coding-DNA position 524, G replaced by T.
Protein change: p.Arg175Leu; replaces arginine 175 with leucine.
Molecular consequence: missense variant.
Genome position (GRCh38, 1-based): chrX:111,912,667, C>A on the plus strand (G>T on the coding strand, the complement: TRPC5 is on the minus strand). VCF-style: chrX-111912667-C-A. GRCh37 (hg19) VCF-style: chrX-111155895-C-A.
Other names: short protein forms R175L.
Identifiers: ClinVar variation 4992011 (VCV004992011.1).

ClinVar aggregate classification (germline): Uncertain significance (1 of 4 stars; one submission).

Conditions:
TRPC5-related disorder. Also called: TRPC5-related condition.

Submission:

PreventionGenetics, part of Exact Sciences
Classification: Uncertain significance for TRPC5-related condition. Last evaluated: 2026-06-05. Review status: criteria provided, single submitter. Criteria: ACMG Guidelines, 2015. Collection method: clinical testing. Allele origin: germline.
Comment: The TRPC5 c.524G>T variant is predicted to result in the amino acid substitution p.Arg175Leu. To our knowledge, this variant has not been reported in the literature or in a large population database (gnomAD), indicating this variant is rare. At this time, the clinical significance of this variant is uncertain due to the absence of conclusive functional and genetic evidence.